The following is an entry in ClinVar:

NM_144997.7(FLCN):c.1284C>A (p.Pro428=)

Gene: FLCN (folliculin; minus strand). Cytogenetic location: 17p11.2.
Variant type: single nucleotide variant.
Coding change: c.1284C>A on transcript NM_144997.7 (MANE Select); coding-DNA position 1284, C replaced by A.
Protein change: p.Pro428=; no amino-acid change (proline 428 retained).
Molecular consequence: synonymous variant.
Genome position (GRCh38, 1-based): chr17:17,216,396, G>T on the plus strand (C>A on the coding strand, the complement: FLCN is on the minus strand). VCF-style: chr17-17216396-G-T. GRCh37 (hg19) VCF-style: chr17-17119710-G-T.
Other names: c.1338C>A, p.Pro446= (NM_001353229.2); c.1284C>A, p.Pro428= (NM_001353230.2, NM_001353231.2).
Identifiers: ClinVar variation 1768561 (VCV001768561.6), dbSNP rs942763423, ClinGen allele CA498163240.

ClinVar aggregate classification (germline): Benign/Likely benign. Review status: criteria provided, multiple submitters, no conflicts (2 of 4 stars). 3 submissions from 3 submitters: Benign (1); Likely benign (2). Last evaluated 2024-10-24.

Conditions:
Birt-Hogg-Dube syndrome. Also called: Birt Hogg Dubé syndrome. Identifiers: Orphanet 122, MedGen C0346010, MONDO:0800444.
Birt-Hogg-Dube syndrome 1 (BHD1). Also called: FIBROFOLLICULOMAS WITH TRICHODISCOMAS AND ACROCHORDONS. Identifiers: Orphanet 122, MedGen CN375946, MONDO:0800445, OMIM 135150.
Hereditary cancer-predisposing syndrome. Also called: Tumor predisposition; Neoplastic Syndromes, Hereditary; Hereditary Cancer Syndrome; Hereditary neoplastic syndrome. Identifiers: Orphanet 140162, MedGen C0027672, MeSH D009386, MONDO:0015356.

Submissions (3):

Myriad Genetics, Inc.
Classification: Benign for Birt-Hogg-Dube syndrome 1. Last evaluated: 2024-10-24. Review status: criteria provided, single submitter. Criteria: Myriad Autosomal Dominant, Autosomal Recessive and X-Linked Classification Criteria (2023). Collection method: clinical testing. Allele origin: unknown.
Comment: This variant is considered benign. This variant is a silent/synonymous amino acid change and it is not expected to impact splicing.

Labcorp Genetics (formerly Invitae), Labcorp
Classification: Likely benign for Birt-Hogg-Dube syndrome. Last evaluated: 2022-12-23. Review status: criteria provided, single submitter. Criteria: Invitae Variant Classification Sherloc (09022015). Collection method: clinical testing. Allele origin: germline.

Ambry Genetics
Classification: Likely benign for Hereditary cancer-predisposing syndrome. Last evaluated: 2021-10-20. Review status: criteria provided, single submitter. Criteria: Ambry Variant Classification Scheme 2023. Collection method: clinical testing. Allele origin: germline.